The following is an entry in ClinVar:

NM_012463.4(ATP6V0A2):c.1724+2T>C

Gene: ATP6V0A2 (ATPase H+ transporting V0 subunit a2; plus strand). Cytogenetic location: 12q24.31.
Variant type: single nucleotide variant.
Coding change: c.1724+2T>C on transcript NM_012463.4 (MANE Select); the canonical splice donor site of the intron after coding-DNA position 1724, T replaced by C.
Molecular consequence: splice donor variant.
Genome position (GRCh38, 1-based): chr12:123,747,727, T>C. VCF-style: chr12-123747727-T-C. GRCh37 (hg19) VCF-style: chr12-124232274-T-C.
Identifiers: ClinVar variation 3574392 (VCV003574392.2).

ClinVar aggregate classification (germline): Likely pathogenic. Review status: criteria provided, multiple submitters, no conflicts (2 of 4 stars). 2 submissions from 2 submitters: Likely pathogenic (2). Last evaluated 2026-01-18.

Conditions:
Wrinkly skin syndrome (WSS). Also called: Type of Gerodermia osteodysplastica. Identifiers: Orphanet 2834, MedGen C0406587, MONDO:0010208, OMIM 278250.
Cutis laxa with osteodystrophy (ARCL2A). Also called: Debré-Type Cutis Laxa; CUTIS LAXA WITH CONGENITAL DISORDER OF GLYCOSYLATION; CUTIS LAXA, AUTOSOMAL RECESSIVE, TYPE IIA; CUTIS LAXA WITH BONE DYSTROPHY; CUTIS LAXA WITH GROWTH AND DEVELOPMENTAL DELAY; CUTIS LAXA WITH JOINT LAXITY AND RETARDED DEVELOPMENT. Identifiers: Orphanet 357058, MedGen C0268355, MONDO:0018163, OMIM 219200. Disease mechanism: loss of function.
ALG9 congenital disorder of glycosylation (CDG1L). Also called: CDG Il; ALG9-CDG; CONGENITAL DISORDER OF GLYCOSYLATION, TYPE Il. Identifiers: Orphanet 79328, MedGen C2931006, MONDO:0012117, OMIM 608776.

Submissions (2):

Labcorp Genetics (formerly Invitae), Labcorp
Classification: Likely pathogenic for ALG9 congenital disorder of glycosylation. Last evaluated: 2026-01-18. Review status: criteria provided, single submitter. Criteria: Invitae Variant Classification Sherloc (09022015). Collection method: clinical testing. Allele origin: germline.
Comment: This sequence change affects a donor splice site in intron 14 of the ATP6V0A2 gene. It is expected to disrupt RNA splicing. Variants that disrupt the donor or acceptor splice site typically lead to a loss of protein function (PMID: 16199547), and loss-of-function variants in ATP6V0A2 are known to be pathogenic (PMID: 18157129, 19321599). This variant is present in population databases (no rsID available, gnomAD 0.01%). This variant has not been reported in the literature in individuals affected with ATP6V0A2-related conditions. ClinVar contains an entry for this variant (Variation ID: 3574392). Algorithms developed to predict the effect of sequence changes on RNA splicing suggest that this variant may disrupt the consensus splice site. In summary, the currently available evidence indicates that the variant is pathogenic, but additional data are needed to prove that conclusively. Therefore, this variant has been classified as Likely Pathogenic.

Fulgent Genetics
Classification: Likely pathogenic for Cutis laxa with osteodystrophy; Wrinkly skin syndrome. Last evaluated: 2024-03-01. Review status: criteria provided, single submitter. Criteria: ACMG Guidelines, 2015. Collection method: clinical testing. Allele origin: germline.

Literature cited by the submitters: PubMed 16199547 (cited by Labcorp Genetics (formerly Invitae), Labcorp); PubMed 18157129 (cited by Labcorp Genetics (formerly Invitae), Labcorp); PubMed 19321599 (cited by Labcorp Genetics (formerly Invitae), Labcorp).